The following is an entry in ClinVar:

ClinVar aggregate classification (germline): Pathogenic (1 of 4 stars; one submission).

Conditions:
Cerebral creatine deficiency syndrome. Also called: Creatine deficiency syndromes. Identifiers: Orphanet 79172, MedGen C5244016, MONDO:0000456.

Submission:

Labcorp Genetics (formerly Invitae), Labcorp
Classification: Pathogenic for Cerebral creatine deficiency syndrome. Last evaluated: 2021-10-16. Review status: criteria provided, single submitter. Criteria: Invitae Variant Classification Sherloc (09022015). Collection method: clinical testing. Allele origin: germline.
Comment: This sequence change creates a premature translational stop signal (p.Ala55Valfs*27) in the GAMT gene. It is expected to result in an absent or disrupted protein product. Loss-of-function variants in GAMT are known to be pathogenic (PMID: 15108290). This variant is not present in population databases (ExAC no frequency). This variant has not been reported in the literature in individuals affected with GAMT-related conditions. For these reasons, this variant has been classified as Pathogenic.

Literature cited by the submitters: PubMed 15108290.

NM_000156.6(GAMT):c.164_171del (p.Ala55fs)

Genes: GAMT (guanidinoacetate N-methyltransferase; minus strand), LOC130062945 (ATAC-STARR-seq lymphoblastoid silent region 9707; plus strand). Cytogenetic location: 19p13.3.
Variant type: Deletion.
Coding change: c.164_171del on transcript NM_000156.6 (MANE Select); coding-DNA positions 164 to 171, 8 bases deleted (CCGCCGCC; older notation c.164_171delCCGCCGCC).
Protein change: p.Ala55fs; shifts the reading frame from alanine 55.
Molecular consequence: frameshift variant.
Genome position (GRCh38, 1-based): chr19:1,401,306-1,401,313, GGCGGCGG deleted on the plus strand (CCGCCGCC on the coding strand, the reverse complement: GAMT is on the minus strand). VCF-style (leftmost placement, unchanged base first): chr19-1401305-AGGCGGCGG-A. GRCh37 (hg19) VCF-style: chr19-1401304-AGGCGGCGG-A.
Other names: c.164_171del, p.Ala55fs (NM_138924.3); short protein forms A55fs.
Identifiers: ClinVar variation 1443570 (VCV001443570.6), dbSNP rs2144640900, ClinGen allele CA2573155798.